The following is an entry in ClinVar:

NM_004840.3(ARHGEF6):c.262G>C (p.Asp88His)

Gene: ARHGEF6 (Rac/Cdc42 guanine nucleotide exchange factor 6; minus strand). Cytogenetic location: Xq26.3.
Variant type: single nucleotide variant.
Coding change: c.262G>C on transcript NM_004840.3 (MANE Select); coding-DNA position 262, G replaced by C.
Protein change: p.Asp88His; replaces aspartic acid 88 with histidine.
Molecular consequence: missense variant. On other transcripts: 5 prime UTR variant (1).
Genome position (GRCh38, 1-based): chrX:136,747,580, C>G on the plus strand (G>C on the coding strand, the complement: ARHGEF6 is on the minus strand). VCF-style: chrX-136747580-C-G. GRCh37 (hg19) VCF-style: chrX-135829739-C-G.
Other names: c.-201G>C (NM_001306177.2); short protein forms D88H.
Identifiers: ClinVar variation 210252 (VCV000210252.10), dbSNP rs149768069, ClinGen allele CA209741.
Genomic context (GRCh38, chrX:136,747,580, plus strand): 5'-TGTTGACAGCTAAAAGAGTACTCAGTACCTTGGAGAAATTGACCCCTGAATAAAGGTCAT[C>G]AGGATCAAATATCTATGAGAAAGGAAAATTGAAACCGTAAGACACTACAAGTATTCAACT-3'
Protein context (NP_004831.1, residues 78-98): ATLQVEIFDP[Asp88His]DLYSGVNFSK

ClinVar aggregate classification (germline): Conflicting classifications of pathogenicity. Review status: criteria provided, conflicting classifications (1 of 4 stars). 3 submissions from 3 submitters: Uncertain significance (1); Benign (1); Likely benign (1). Last evaluated 2026-08-17.

Conditions:
ARHGEF6-related disorder. Also called: ARHGEF6-related condition.

Allele frequency attached by ClinVar (database versions not stated): TOPMed 0.00012; gnomAD 0.00017 and 0.00018; gnomAD exomes 0.00018 and 0.00036; 1000 Genomes Project 30x 0.00021; ESP Exome Variant Server 0.00028; ExAC 0.00039.
gnomAD v4.1: 218 of 1,186,180 alleles (0.018%); highest among the groups gnomAD compares: Middle Eastern, 0.16%; no homozygotes.

Submissions (3):

PreventionGenetics, part of Exact Sciences
Classification: Benign for ARHGEF6-related condition. Last evaluated: 2026-08-17. Review status: criteria provided, single submitter. Criteria: ACMG Guidelines, 2015. Collection method: clinical testing. Allele origin: germline.
Comment: This variant is classified as benign based on ACMG/AMP sequence variant interpretation guidelines (Richards et al. 2015 PMID: 25741868, with internal and published modifications).

Labcorp Genetics (formerly Invitae), Labcorp
Classification: Likely benign. Last evaluated: 2018-05-02. Review status: criteria provided, single submitter. Criteria: Invitae Variant Classification Sherloc (09022015). Collection method: clinical testing. Allele origin: germline.

Genetic Services Laboratory, University of Chicago
Classification: Uncertain significance. Last evaluated: 2015-08-04. Review status: criteria provided, single submitter. Criteria: ACMG Guidelines, 2015. Collection method: clinical testing. Allele origin: germline.